The following is an entry in ClinVar:

NM_001128148.3(TFRC):c.829A>G (p.Ile277Val)

Gene: TFRC (transferrin receptor; minus strand). Cytogenetic location: 3q29.
Variant type: single nucleotide variant.
Coding change: c.829A>G on transcript NM_001128148.3 (MANE Select); coding-DNA position 829, A replaced by G.
Protein change: p.Ile277Val; replaces isoleucine 277 with valine.
Molecular consequence: missense variant. On other transcripts: 5 prime UTR variant (1).
Genome position (GRCh38, 1-based): chr3:196,068,103, T>C on the plus strand (A>G on the coding strand, the complement: TFRC is on the minus strand). VCF-style: chr3-196068103-T-C. GRCh37 (hg19) VCF-style: chr3-195794974-T-C.
Other names: c.586A>G, p.Ile196Val (NM_001313965.2); c.-18A>G (NM_001313966.2); c.829A>G, p.Ile277Val (NM_003234.4); short protein forms I196V, I277V.
Identifiers: ClinVar variation 2403699 (VCV002403699.5), dbSNP rs533268185, ClinGen allele CA2778165.

ClinVar aggregate classification (germline): Uncertain significance. Review status: criteria provided, multiple submitters, no conflicts (2 of 4 stars). 2 submissions from 2 submitters: Uncertain significance (2). Last evaluated 2023-03-19.

Conditions:
Inborn genetic diseases. Identifiers: MedGen C0950123, MeSH D030342.

Allele frequency attached by ClinVar (database versions not stated): gnomAD 0.00001; TOPMed 0.00002; ExAC 0.00003; 1000 Genomes Project 0.00020; 1000 Genomes Project 30x 0.00031.
gnomAD v4.1: 16 of 1,612,946 alleles (0.00099%); highest among the groups gnomAD compares: South Asian, 0.0044%; no homozygotes.

Submissions (2):

Labcorp Genetics (formerly Invitae), Labcorp
Classification: Uncertain significance. Last evaluated: 2023-03-19. Review status: criteria provided, single submitter. Criteria: Invitae Variant Classification Sherloc (09022015). Collection method: clinical testing. Allele origin: germline.
Comment: This variant has not been reported in the literature in individuals affected with TFRC-related conditions. This sequence change replaces isoleucine, which is neutral and non-polar, with valine, which is neutral and non-polar, at codon 277 of the TFRC protein (p.Ile277Val). This variant is present in population databases (rs533268185, gnomAD 0.01%). ClinVar contains an entry for this variant (Variation ID: 2403699). Advanced modeling of protein sequence and biophysical properties (such as structural, functional, and spatial information, amino acid conservation, physicochemical variation, residue mobility, and thermodynamic stability) performed at Invitae indicates that this missense variant is not expected to disrupt TFRC protein function. In summary, the available evidence is currently insufficient to determine the role of this variant in disease. Therefore, it has been classified as a Variant of Uncertain Significance.

Ambry Genetics
Classification: Uncertain significance for Inborn genetic diseases. Last evaluated: 2021-08-10. Review status: criteria provided, single submitter. Criteria: Ambry Variant Classification Scheme 2023. Collection method: clinical testing. Allele origin: germline.